The following is an entry in ClinVar:

ClinVar aggregate classification (germline): Uncertain significance (1 of 4 stars; one submission).

Conditions:
Congenital neutropenia-myelofibrosis-nephromegaly syndrome. Also called: Severe congenital neutropenia 5, autosomal recessive. Identifiers: Orphanet 369852, MedGen C3809031, MONDO:0014118, OMIM 615285.

Allele frequency attached by ClinVar (database versions not stated): gnomAD exomes below 0.00001; TOPMed below 0.00001.
gnomAD v4.1: 4 of 1,614,100 alleles (0.00025%); highest among the groups gnomAD compares: Admixed American, 0.0067%; no homozygotes.

Submission:

Labcorp Genetics (formerly Invitae), Labcorp
Classification: Uncertain significance for Congenital neutropenia-myelofibrosis-nephromegaly syndrome. Last evaluated: 2021-08-14. Review status: criteria provided, single submitter. Criteria: Invitae Variant Classification Sherloc (09022015). Collection method: clinical testing. Allele origin: germline.
Comment: This sequence change replaces glutamine with leucine at codon 154 of the VPS45 protein (p.Gln154Leu). The glutamine residue is weakly conserved and there is a moderate physicochemical difference between glutamine and leucine. This variant is not present in population databases (ExAC no frequency). This variant has not been reported in the literature in individuals affected with VPS45-related conditions. Algorithms developed to predict the effect of missense changes on protein structure and function (SIFT, PolyPhen-2, Align-GVGD) all suggest that this variant is likely to be tolerated. In summary, the available evidence is currently insufficient to determine the role of this variant in disease. Therefore, it has been classified as a Variant of Uncertain Significance.

NM_007259.5(VPS45):c.461A>T (p.Gln154Leu)

Gene: VPS45 (vacuolar protein sorting 45 homolog; plus strand). Cytogenetic location: 1q21.2.
Variant type: single nucleotide variant.
Coding change: c.461A>T on transcript NM_007259.5 (MANE Select); coding-DNA position 461, A replaced by T.
Protein change: p.Gln154Leu; replaces glutamine 154 with leucine.
Molecular consequence: missense variant. On other transcripts: intron variant (1).
Genome position (GRCh38, 1-based): chr1:150,077,116, A>T. VCF-style: chr1-150077116-A-T. GRCh37 (hg19) VCF-style: chr1-150049194-A-T.
Other names: c.353A>T, p.Gln118Leu (NM_001279354.2); c.262-553A>T (NM_001279353.2); short protein forms Q118L, Q154L.
Identifiers: ClinVar variation 1480942 (VCV001480942.5), dbSNP rs998654797, ClinGen allele CA30020231.
Genomic context (GRCh38, chr1:150,077,116, plus strand): 5'-TCAAATATTTTCTCTGAATATATGTTTTTAACAAAAAGGGTCGAAATTGGGATCCAGCCC[A>T]GCTATCTAGAACAACTCAAGGGCTTACAGCTCTCCTTTTATCTCTGAAGAAGTGTCCCAT-3'
Protein context (NP_009190.2, residues 144-164): CCQGRNWDPA[Gln154Leu]LSRTTQGLTA